The following is an entry in ClinVar:

ClinVar aggregate classification (germline): Uncertain significance (1 of 4 stars; one submission).

Conditions:
Charcot-Marie-Tooth disease type 4. Also called: Charcot-Marie-Tooth, Type 4; Charcot-Marie-Tooth disease, type IV. Identifiers: Orphanet 64749, MedGen C4082197, MONDO:0018995.

Allele frequency attached by ClinVar (database versions not stated): TOPMed 0.00001; gnomAD 0.00001.
gnomAD v4.1: 2 of 1,360,396 alleles (0.00015%); highest among the groups gnomAD compares: Non-Finnish European, 0.00021%; no homozygotes.

Submission:

Labcorp Genetics (formerly Invitae), Labcorp
Classification: Uncertain significance for Charcot-Marie-Tooth disease type 4. Last evaluated: 2019-06-22. Review status: criteria provided, single submitter. Criteria: Invitae Variant Classification Sherloc (09022015). Collection method: clinical testing. Allele origin: germline.
Comment: Algorithms developed to predict the effect of missense changes on protein structure and function (SIFT, PolyPhen-2, Align-GVGD) all suggest that this variant is likely to be tolerated, but these predictions have not been confirmed by published functional studies and their clinical significance is uncertain. In summary, the available evidence is currently insufficient to determine the role of this variant in disease. Therefore, it has been classified as a Variant of Uncertain Significance. This variant has not been reported in the literature in individuals with SBF2-related conditions. This variant is not present in population databases (ExAC no frequency). This sequence change replaces methionine with isoleucine at codon 350 of the SBF2 protein (p.Met350Ile). The methionine residue is weakly conserved and there is a small physicochemical difference between methionine and isoleucine.

NM_030962.4(SBF2):c.1050G>A (p.Met350Ile)

Gene: SBF2 (SET binding factor 2; minus strand). Cytogenetic location: 11p15.4.
Variant type: single nucleotide variant.
Coding change: c.1050G>A on transcript NM_030962.4 (MANE Select); coding-DNA position 1050, G replaced by A.
Protein change: p.Met350Ile; replaces methionine 350 with isoleucine.
Molecular consequence: missense variant.
Genome position (GRCh38, 1-based): chr11:9,993,924, C>T on the plus strand (G>A on the coding strand, the complement: SBF2 is on the minus strand). VCF-style: chr11-9993924-C-T. GRCh37 (hg19) VCF-style: chr11-10015471-C-T.
Other names: c.1050G>A, p.Met350Ile (NM_001386339.1, NM_001386342.1); short protein forms M350I.
Identifiers: ClinVar variation 946828 (VCV000946828.9), dbSNP rs1947549366, ClinGen allele CA379638164.